The following is an entry in ClinVar:

ClinVar aggregate classification (germline): Uncertain significance (1 of 4 stars; one submission).

Allele frequency attached by ClinVar (database versions not stated): gnomAD exomes 0.00001; TOPMed 0.00001.
gnomAD v4.1: 12 of 1,613,742 alleles (0.00074%); highest among the groups gnomAD compares: East Asian, 0.0045%; no homozygotes.

Submission:

Ambry Genetics
Classification: Uncertain significance. Last evaluated: 2024-08-11. Review status: criteria provided, single submitter. Criteria: Ambry Variant Classification Scheme 2023. Collection method: clinical testing. Allele origin: germline.
Comment: The p.I311V variant (also known as c.931A>G), located in coding exon 6 of the BUB3 gene, results from an A to G substitution at nucleotide position 931. The isoleucine at codon 311 is replaced by valine, an amino acid with highly similar properties. This amino acid position is conserved. In addition, this alteration is predicted to be tolerated by in silico analysis. Since supporting evidence is limited at this time, the clinical significance of this alteration remains unclear.

NM_004725.4(BUB3):c.931A>G (p.Ile311Val)

Gene: BUB3 (BUB3 mitotic checkpoint protein; plus strand). Cytogenetic location: 10q26.13.
Variant type: single nucleotide variant.
Coding change: c.931A>G on transcript NM_004725.4 (MANE Select); coding-DNA position 931, A replaced by G.
Protein change: p.Ile311Val; replaces isoleucine 311 with valine.
Molecular consequence: missense variant.
Genome position (GRCh38, 1-based): chr10:123,162,788, A>G. VCF-style: chr10-123162788-A-G. GRCh37 (hg19) VCF-style: chr10-124922304-A-G.
Other names: c.931A>G, p.Ile311Val (NM_001007793.3); short protein forms I311V.
Identifiers: ClinVar variation 1766558 (VCV001766558.3), dbSNP rs1011607443, ClinGen allele CA215183733.